The following is an entry in ClinVar:

ClinVar aggregate classification (germline): Conflicting classifications of pathogenicity. Review status: criteria provided, conflicting classifications (1 of 4 stars). 17 submissions from 11 submitters: Uncertain significance (1); Benign (16). Last evaluated 2026-02-04.

Conditions:
Age related macular degeneration 4. Identifiers: MedGen C1853147, MONDO:0012540, OMIM 610698.
Factor H deficiency (CFHD). Also called: CFH DEFICIENCY; COMPLEMENT FACTOR H DEFICIENCY. Identifiers: Orphanet 200421, MedGen C0398777, MONDO:0012350, OMIM 609814.
Basal laminar drusen. Also called: DRUSEN OF BRUCH MEMBRANE; DRUSEN, CUTICULAR; DRUSEN, EARLY ADULT-ONSET, GROUPED. Identifiers: Orphanet 75376, MedGen C0730295, MONDO:0007472, OMIM 126700.
Atypical hemolytic-uremic syndrome. Identifiers: Orphanet 2134, MedGen C2931788, MONDO:0016244.
CFH-Related Dense Deposit Disease / Membranoproliferative Glomerulonephritis Type II. Identifiers: MedGen CN071292.
Hemolytic uremic syndrome, atypical, susceptibility to, 1. Also called: AHUS, SUSCEPTIBILITY TO, 1. Identifiers: Orphanet 2134, Orphanet 90038, MedGen C2749604, MONDO:0009335, OMIM 235400. Disease mechanism: Other.

Allele frequency attached by ClinVar (database versions not stated): gnomAD exomes 0.63577 and 0.67975; gnomAD 0.63625 and 0.64500; TOPMed 0.66041; ExAC 0.67207; 1000 Genomes Project 30x 0.72939; 1000 Genomes Project 0.73343.
gnomAD v4.1: 1,025,522 of 1,610,204 alleles (64%); highest among the groups gnomAD compares: East Asian, 94%; 330,962 homozygotes.

Submissions (17):

Labcorp Genetics (formerly Invitae), Labcorp
Classification: Benign. Last evaluated: 2026-02-04. Review status: criteria provided, single submitter. Criteria: Invitae Variant Classification Sherloc (09022015). Collection method: clinical testing. Allele origin: germline.

Women's Health and Genetics/Laboratory Corporation of America, LabCorp
Classification: Benign. Last evaluated: 2026-01-21. Review status: criteria provided, single submitter. Criteria: LabCorp Variant Classification Summary - May 2015. Collection method: clinical testing. Allele origin: germline.

Genomenon, Inc
Classification: Benign for Basal laminar drusen; Age related macular degeneration 4; Atypical hemolytic-uremic syndrome; Factor H deficiency. Last evaluated: 2025-10-02. Review status: criteria provided, single submitter. Criteria: Genomenon Sequence Variant Interpretation Standards - Updated. Collection method: curation. Allele origin: germline. Affected: no.
Comment: CFH p.His402Tyr (c.1204C>T) is a missense variant that changes the amino acid at residue 402 from Histidine to Tyrosine. This variant is present at high allele frequency in population databases. In conclusion, we classify CFH p.His402Tyr (c.1204C>T) as a benign variant.

Blueprint Genetics
Classification: Benign. Last evaluated: 2024-11-26. Review status: criteria provided, single submitter. Criteria: ACMG Guidelines, 2015. Collection method: clinical testing. Allele origin: germline.

Genome Diagnostics Laboratory, The Hospital for Sick Children
Classification: Benign for Atypical hemolytic-uremic syndrome. Last evaluated: 2022-10-05. Review status: criteria provided, single submitter. Criteria: ACMG Guidelines, 2015. Collection method: clinical testing. Allele origin: germline.

Genome-Nilou Lab
Classification: Benign for Basal laminar drusen. Last evaluated: 2021-07-22. Review status: criteria provided, single submitter. Criteria: ACMG Guidelines, 2015. Collection method: clinical testing. Allele origin: germline. Affected: no.

Genome-Nilou Lab
Classification: Benign for Factor H deficiency. Last evaluated: 2021-07-22. Review status: criteria provided, single submitter. Criteria: ACMG Guidelines, 2015. Collection method: clinical testing. Allele origin: germline. Affected: no.

Genome-Nilou Lab
Classification: Benign for Hemolytic uremic syndrome, atypical, susceptibility to, 1. Last evaluated: 2021-07-22. Review status: criteria provided, single submitter. Criteria: ACMG Guidelines, 2015. Collection method: clinical testing. Allele origin: germline. Affected: no.

Genome-Nilou Lab
Classification: Benign for Age related macular degeneration 4. Last evaluated: 2021-07-22. Review status: criteria provided, single submitter. Criteria: ACMG Guidelines, 2015. Collection method: clinical testing. Allele origin: germline. Affected: no.

GeneDx
Classification: Benign. Last evaluated: 2020-03-09. Review status: criteria provided, single submitter. Criteria: GeneDx Variant Classification Process June 2021. Collection method: clinical testing. Allele origin: germline. Affected: yes.
Comment: This variant is associated with the following publications: (PMID: 26895476, 23497844, 28173125, 29686068, 26376595, 15761120, 20038862, 22875704, 19823576, 20869121, 20378180, 20132989, 22277662, 22552255, 16936732, 24036949, 20581873, 23112567, 22933840, 22509112, 20664795, 18604638, 19399715, 22456601, 24550392, 20660596, 21784901, 21930971, 17339482, 20688737, 20574013, 20538999, 20042647, 18263814, 22388616, 21649859, 17464302, 19000922, 17869048, 19187590, 22197220, 20708732, 22965593, 21825189, 18163432, 25087612)

CeGaT Center for Human Genetics Tuebingen
Classification: Uncertain significance. Last evaluated: 2019-04-01. Review status: criteria provided, single submitter. Criteria: CeGaT Center For Human Genetics Tuebingen Variant Classification Criteria Version 2. Collection method: clinical testing. Allele origin: germline. Affected: yes. Observed: 1 variant allele.

Mayo Clinic Laboratories, Mayo Clinic
Classification: Benign. Last evaluated: 2018-04-10. Review status: criteria provided, single submitter. Criteria: ACMG Guidelines, 2015. Collection method: clinical testing. Allele origin: germline. Observed: 2,843 variant alleles.

Illumina Laboratory Services, Illumina
Classification: Benign for Age related macular degeneration 4. Last evaluated: 2017-04-27. Review status: criteria provided, single submitter. Criteria: ICSL Variant Classification Criteria 13 December 2019. Collection method: clinical testing. Allele origin: germline.
Comment: This variant was observed as part of a predisposition screen in an ostensibly healthy population. A literature search was performed for the gene, cDNA change, and amino acid change (where applicable). Publications were found based on this search. The evidence from the literature, in combination with allele frequency data from public databases where available, was sufficient to rule this variant out of causing disease. Therefore, this variant is classified as benign.

Illumina Laboratory Services, Illumina
Classification: Benign for Hemolytic uremic syndrome, atypical, susceptibility to, 1. Last evaluated: 2017-04-27. Review status: criteria provided, single submitter. Criteria: ICSL Variant Classification Criteria 13 December 2019. Collection method: clinical testing. Allele origin: germline.
Comment: This variant was observed as part of a predisposition screen in an ostensibly healthy population. A literature search was performed for the gene, cDNA change, and amino acid change (where applicable). No publications were found based on this search. Allele frequency data from public databases was too high to be consistent with this variant causing disease. Therefore, this variant is classified as benign.

Illumina Laboratory Services, Illumina
Classification: Benign for Basal laminar drusen. Last evaluated: 2017-04-27. Review status: criteria provided, single submitter. Criteria: ICSL Variant Classification Criteria 13 December 2019. Collection method: clinical testing. Allele origin: germline.
Comment: the same text as in the submission from Illumina Laboratory Services, Illumina above.

Illumina Laboratory Services, Illumina
Classification: Benign for Membranoproliferative glomerulonephritis with complement factor h deficiency. Last evaluated: 2017-04-27. Review status: criteria provided, single submitter. Criteria: ICSL Variant Classification Criteria 13 December 2019. Collection method: clinical testing. Allele origin: germline.
Comment: the same text as in the submission from Illumina Laboratory Services, Illumina above.

Breakthrough Genomics
Classification: Benign. Review status: criteria provided, single submitter. Criteria: ACMG Guidelines, 2015. Collection method: not provided. Allele origin: germline. Inheritance: Autosomal recessive inheritance. Affected: yes.

Literature cited by the submitters: PubMed 11978762 (cited by Illumina Laboratory Services, Illumina); PubMed 15761120 (cited by Illumina Laboratory Services, Illumina); PubMed 16619239 (cited by Illumina Laboratory Services, Illumina).

NM_000186.4(CFH):c.1204C>T (p.His402Tyr)

Gene: CFH (complement factor H; plus strand). Cytogenetic location: 1q31.3.
Variant type: single nucleotide variant.
Coding change: c.1204C>T on transcript NM_000186.4 (MANE Select); coding-DNA position 1204, C replaced by T.
Protein change: p.His402Tyr; replaces histidine 402 with tyrosine.
Molecular consequence: missense variant.
Genome position (GRCh38, 1-based): chr1:196,690,107, C>T. VCF-style: chr1-196690107-C-T. GRCh37 (hg19) VCF-style: chr1-196659237-C-T.
Other names: p.His402Tyr; c.1204C>T, p.His402Tyr (NM_001014975.3); short protein forms H402Y.
Identifiers: ClinVar variation 294490 (VCV000294490.55), dbSNP rs1061170, ClinGen allele CA1305284.
Genomic context (GRCh38, chr1:196,690,107, plus strand): 5'-TTGTTATGGTCCTTAGGAAAATGTTATTTTCCTTATTTGGAAAATGGATATAATCAAAAT[C>T]ATGGAAGAAAGTTTGTACAGGGTAAATCTATAGACGTTGCCTGCCATCCTGGCTACGCTC-3'
Protein context (NP_000177.2, residues 392-412): PYLENGYNQN[His402Tyr]GRKFVQGKSI